The following is an entry in ClinVar:

NM_172107.4(KCNQ2):c.1030T>A (p.Trp344Arg)

Gene: KCNQ2 (potassium voltage-gated channel subfamily Q member 2; minus strand). Cytogenetic location: 20q13.33.
Variant type: single nucleotide variant.
Coding change: c.1030T>A on transcript NM_172107.4 (MANE Select); coding-DNA position 1030, T replaced by A.
Protein change: p.Trp344Arg; replaces tryptophan 344 with arginine.
Molecular consequence: missense variant.
Genome position (GRCh38, 1-based): chr20:63,433,897, A>T on the plus strand (T>A on the coding strand, the complement: KCNQ2 is on the minus strand). VCF-style: chr20-63433897-A-T. GRCh37 (hg19) VCF-style: chr20-62065250-A-T.
Other names: c.1030T>A, p.Trp344Arg (NM_001382235.1, NM_004518.6, NM_172106.3 and 2 more transcripts); short protein forms W344R.
Identifiers: ClinVar variation 3382550 (VCV003382550.2).
Genomic context (GRCh38, chr20:63,433,897, plus strand): 5'-CGTAGTACTGCCACGTGGAGTGCAGGTCTGTGCGCGAGAGGTTGGTGGCGTAGAATCTCC[A>T]GGCCGACTGCGGAGGGAAAGACAAGGCAGTTGGCGAGGGGCAGGCGGCGAGGGGCGCGCC-3'
Protein context (NP_742105.1, residues 334-354): NPAAGLIQSA[Trp344Arg]RFYATNLSRT

ClinVar aggregate classification (germline): Pathogenic (1 of 4 stars; one submission).

Conditions:
Developmental and epileptic encephalopathy, 7 (DEE7). Also called: Early infantile epileptic encephalopathy 7; KCNQ2-Related Neonatal Epileptic Encephalopathy; KCNQ2-Related Neonatal-Onset Developmental and Epileptic Encephalopathy (NEO-DEE). Identifiers: Orphanet 439218, MedGen C3150986, MONDO:0013387, OMIM 613720.
Seizures, benign familial neonatal, 1. Also called: Benign Neonatal Epilepsy 1; Seizures, benign neonatal, 1; KCNQ2-Related Benign Familial Neonatal Epilepsy; KCNQ2-Related Self-Limited Familial Neonatal Epilepsy (SLFNE). Identifiers: Orphanet 1949, MedGen C3149074, MONDO:0007365, OMIM 121200.

Submission:

Juno Genomics, Hangzhou Juno Genomics, Inc
Classification: Pathogenic for Developmental and epileptic encephalopathy, 7; Seizures, benign familial neonatal, 1. Review status: criteria provided, single submitter. Criteria: ACMG Guidelines, 2015. Collection method: clinical testing. Allele origin: germline. Affected: yes.
Comment: Absent from controls (or at extremely low frequency if recessive) in Genome Aggregation Database, Exome Sequencing Project, 1000 Genomes Project, or Exome Aggregation Consortium.;De novo (both maternity and paternity confirmed) in a patient with the disease and no family history.;Patient's phenotype or family history is highly specific for a disease with a single genetic etiology.;Missense variant in a gene that has a low rate of benign missense variation and where missense variants are a common mechanism of disease.;Novel missense change at an amino acid residue where a different missense change determined to be pathogenic has been seen before.;Same amino acid change as a previously established pathogenic variant regardless of nucleotide change.;Well-established in vitro or in vivo functional studies supportive of a damaging effect on the gene or gene product.